The following is an entry in ClinVar:

NM_198503.5(KCNT2):c.2180C>G (p.Thr727Arg)

Gene: KCNT2 (potassium sodium-activated channel subfamily T member 2; minus strand). Cytogenetic location: 1q31.3.
Variant type: single nucleotide variant.
Coding change: c.2180C>G on transcript NM_198503.5 (MANE Select); coding-DNA position 2180, C replaced by G.
Protein change: p.Thr727Arg; replaces threonine 727 with arginine.
Molecular consequence: missense variant. On other transcripts: non-coding transcript variant (2).
Genome position (GRCh38, 1-based): chr1:196,326,813, G>C on the plus strand (C>G on the coding strand, the complement: KCNT2 is on the minus strand). VCF-style: chr1-196326813-G-C. GRCh37 (hg19) VCF-style: chr1-196295943-G-C.
Other names: c.2180C>G, p.Thr727Arg (NM_001287819.3); c.2030C>G, p.Thr677Arg (NM_001287820.3); short protein forms T677R, T727R.
Identifiers: ClinVar variation 5020159 (VCV005020159.1).

ClinVar aggregate classification (germline): Uncertain significance (1 of 4 stars; one submission).

Submission:

Dasa
Classification: Uncertain significance. Last evaluated: 2026-07-22. Review status: criteria provided, single submitter. Criteria: DASA Assertion Criteria. Collection method: clinical testing. Allele origin: germline.
Comment: NM_198503.5(KCNT2):c.2180C>G (p.Thr727Arg) is a missense variant that results in the substitution of threonine with arginine. This variant is rare in population databases. The currently available literature and clinical evidence are not sufficient to establish a definitive association between this variant and the reported condition. Therefore, this variant is classified as a variant of uncertain significance.